The following is an entry in ClinVar:

NM_000212.3(ITGB3):c.2301A>G (p.Thr767=)

Genes: EFCAB13-DT (EFCAB13 divergent transcript; minus strand), ITGB3 (integrin subunit beta 3; plus strand). Cytogenetic location: 17q21.32.
Variant type: single nucleotide variant.
Coding change: c.2301A>G on transcript NM_000212.3 (MANE Select); coding-DNA position 2301, A replaced by G.
Protein change: p.Thr767=; no amino-acid change (threonine 767 retained).
Molecular consequence: synonymous variant.
Genome position (GRCh38, 1-based): chr17:47,307,637, A>G. VCF-style: chr17-47307637-A-G. GRCh37 (hg19) VCF-style: chr17-45385003-A-G.
Identifiers: ClinVar variation 3719527 (VCV003719527.2).

ClinVar aggregate classification (germline): Uncertain significance (1 of 4 stars; one submission).

Submission:

Labcorp Genetics (formerly Invitae), Labcorp
Classification: Uncertain significance. Last evaluated: 2024-11-20. Review status: criteria provided, single submitter. Criteria: Invitae Variant Classification Sherloc (09022015). Collection method: clinical testing. Allele origin: germline.
Comment: This sequence change affects codon 767 of the ITGB3 mRNA. It is a 'silent' change, meaning that it does not change the encoded amino acid sequence of the ITGB3 protein. It affects a nucleotide within the consensus splice site. This variant is not present in population databases (gnomAD no frequency). This variant has not been reported in the literature in individuals affected with ITGB3-related conditions. Algorithms developed to predict the effect of sequence changes on RNA splicing suggest that this variant is not likely to affect RNA splicing. In summary, the available evidence is currently insufficient to determine the role of this variant in disease. Therefore, it has been classified as a Variant of Uncertain Significance.